The following is an entry in ClinVar:

NM_014629.4(ARHGEF10):c.2741C>T (p.Ser914Leu)

Gene: ARHGEF10 (Rho guanine nucleotide exchange factor 10; plus strand). Cytogenetic location: 8p23.3.
Variant type: single nucleotide variant.
Coding change: c.2741C>T on transcript NM_014629.4 (MANE Select); coding-DNA position 2741, C replaced by T.
Protein change: p.Ser914Leu; replaces serine 914 with leucine.
Molecular consequence: missense variant.
Genome position (GRCh38, 1-based): chr8:1,928,470, C>T. VCF-style: chr8-1928470-C-T. GRCh37 (hg19) VCF-style: chr8-1876636-C-T.
Other names: c.2627C>T, p.Ser876Leu (NM_001308152.2); c.2741C>T, p.Ser914Leu (NM_001308153.3); short protein forms S914L, S876L, S938L.
Identifiers: ClinVar variation 451815 (VCV000451815.5), dbSNP rs371163899, ClinGen allele CA170611681.

ClinVar aggregate classification (germline): Uncertain significance. Review status: criteria provided, multiple submitters, no conflicts (2 of 4 stars). 2 submissions from 2 submitters: Uncertain significance (2). Last evaluated 2023-05-20.

Allele frequency attached by ClinVar (database versions not stated): gnomAD exomes below 0.00001; gnomAD 0.00001; TOPMed 0.00001; ESP Exome Variant Server 0.00008.
gnomAD v4.1: 22 of 1,613,920 alleles (0.0014%); highest among the groups gnomAD compares: African/African-American, 0.0027%; no homozygotes.

Submissions (2):

Labcorp Genetics (formerly Invitae), Labcorp
Classification: Uncertain significance. Last evaluated: 2023-05-20. Review status: criteria provided, single submitter. Criteria: Invitae Variant Classification Sherloc (09022015). Collection method: clinical testing. Allele origin: germline.
Comment: This sequence change replaces serine, which is neutral and polar, with leucine, which is neutral and non-polar, at codon 914 of the ARHGEF10 protein (p.Ser914Leu). Advanced modeling of protein sequence and biophysical properties (such as structural, functional, and spatial information, amino acid conservation, physicochemical variation, residue mobility, and thermodynamic stability) has been performed at Invitae for this missense variant, however the output from this modeling did not meet the statistical confidence thresholds required to predict the impact of this variant on ARHGEF10 protein function. This variant is present in population databases (rs371163899, gnomAD 0.0009%). This variant has not been reported in the literature in individuals affected with ARHGEF10-related conditions. ClinVar contains an entry for this variant (Variation ID: 451815). In summary, the available evidence is currently insufficient to determine the role of this variant in disease. Therefore, it has been classified as a Variant of Uncertain Significance.

GeneDx
Classification: Uncertain significance. Last evaluated: 2017-09-01. Review status: criteria provided, single submitter. Criteria: GeneDx Variant Classification (06012015). Collection method: clinical testing. Allele origin: germline. Affected: yes.
Comment: The S914L variant in the ARHGEF10 gene has not been reported previously as a pathogenic variant, nor as a benign variant, to our knowledge. The S914L variant is not observed in large population cohorts (Lek et al., 2016; 1000 Genomes Consortium et al., 2015; Exome Variant Server). The S914L variant is a non-conservative amino acid substitution, which is likely to impact secondary protein structure as these residues differ in polarity, charge, size and/or other properties. This substitution occurs at a position that is conserved in mammals. In silico analysis predicts this variant is probably damaging to the protein structure/function. We interpret S914L as a variant of uncertain significanc